The following is an entry in ClinVar:

NM_003907.3(EIF2B5):c.173C>G (p.Pro58Arg)

Genes: EIF2B5 (eukaryotic translation initiation factor 2B subunit epsilon; plus strand), LOC129938041 (ATAC-STARR-seq lymphoblastoid silent region 14954; plus strand). Cytogenetic location: 3q27.1.
Variant type: single nucleotide variant.
Coding change: c.173C>G on transcript NM_003907.3 (MANE Select); coding-DNA position 173, C replaced by G.
Protein change: p.Pro58Arg; replaces proline 58 with arginine.
Molecular consequence: missense variant.
Genome position (GRCh38, 1-based): chr3:184,135,558, C>G. VCF-style: chr3-184135558-C-G. GRCh37 (hg19) VCF-style: chr3-183853346-C-G.
Other names: short protein forms P58R.
Identifiers: ClinVar variation 2957550 (VCV002957550.3), dbSNP rs1403605836, ClinGen allele CA355381373.

ClinVar aggregate classification (germline): Uncertain significance (1 of 4 stars; one submission).

Allele frequency attached by ClinVar (database versions not stated): TOPMed below 0.00001; gnomAD 0.00001.

Submission:

Labcorp Genetics (formerly Invitae), Labcorp
Classification: Uncertain significance. Last evaluated: 2024-07-01. Review status: criteria provided, single submitter. Criteria: Invitae Variant Classification Sherloc (09022015). Collection method: clinical testing. Allele origin: germline.
Comment: This sequence change replaces proline, which is neutral and non-polar, with arginine, which is basic and polar, at codon 58 of the EIF2B5 protein (p.Pro58Arg). This variant is not present in population databases (gnomAD no frequency). This missense change has been observed in individual(s) with clinical features of leukoencephalopathy with vanishing white matter (Invitae). In at least one individual the data is consistent with being in trans (on the opposite chromosome) from a pathogenic variant. Advanced modeling of protein sequence and biophysical properties (such as structural, functional, and spatial information, amino acid conservation, physicochemical variation, residue mobility, and thermodynamic stability) performed at Invitae indicates that this missense variant is expected to disrupt EIF2B5 protein function with a positive predictive value of 80%. In summary, the available evidence is currently insufficient to determine the role of this variant in disease. Therefore, it has been classified as a Variant of Uncertain Significance.